The following is an entry in ClinVar:

ClinVar aggregate classification (germline): Uncertain significance. Review status: criteria provided, multiple submitters, no conflicts (2 of 4 stars). 2 submissions from 2 submitters: Uncertain significance (2). Last evaluated 2022-03-11.

Conditions:
Spastic paraplegia. Identifiers: MedGen C0037772, HP:0001258.
Combined oxidative phosphorylation defect type 7. Identifiers: Orphanet 254930, MedGen C3150801, MONDO:0013306, OMIM 613559.

gnomAD v4.1: 8 of 1,614,130 alleles (0.0005%); highest among the groups gnomAD compares: Middle Eastern, 0.016%; no homozygotes.

Submissions (2):

Labcorp Genetics (formerly Invitae), Labcorp
Classification: Uncertain significance for Combined oxidative phosphorylation defect type 7; Spastic paraplegia. Last evaluated: 2022-03-11. Review status: criteria provided, single submitter. Criteria: Invitae Variant Classification Sherloc (09022015). Collection method: clinical testing. Allele origin: germline.
Comment: This sequence change replaces arginine, which is basic and polar, with leucine, which is neutral and non-polar, at codon 24 of the C12orf65 protein (p.Arg24Leu). This variant is present in population databases (rs144150548, gnomAD 0.004%). This variant has not been reported in the literature in individuals affected with C12orf65-related conditions. ClinVar contains an entry for this variant (Variation ID: 1309118). Algorithms developed to predict the effect of missense changes on protein structure and function (SIFT, PolyPhen-2, Align-GVGD) all suggest that this variant is likely to be tolerated. In summary, the available evidence is currently insufficient to determine the role of this variant in disease. Therefore, it has been classified as a Variant of Uncertain Significance.

GeneDx
Classification: Uncertain significance. Last evaluated: 2019-10-11. Review status: criteria provided, single submitter. Criteria: GeneDx Variant Classification Process June 2021. Collection method: clinical testing. Allele origin: germline. Affected: yes.
Comment: Not observed at a significant frequency in large population cohorts (Lek et al., 2016); In silico analysis, which includes protein predictors and evolutionary conservation, supports a deleterious effect; Has not been previously published as pathogenic or benign to our knowledge

NM_152269.5(MTRFR):c.71G>T (p.Arg24Leu)

Gene: MTRFR (mitochondrial translation release factor in rescue; plus strand). Cytogenetic location: 12q24.31.
Variant type: single nucleotide variant.
Coding change: c.71G>T on transcript NM_152269.5 (MANE Select); coding-DNA position 71, G replaced by T.
Protein change: p.Arg24Leu; replaces arginine 24 with leucine.
Molecular consequence: missense variant.
Genome position (GRCh38, 1-based): chr12:123,253,745, G>T. VCF-style: chr12-123253745-G-T. GRCh37 (hg19) VCF-style: chr12-123738292-G-T.
Other names: c.71G>T, p.Arg24Leu (NM_001143905.2, NM_001194995.1); short protein forms R24L.
Identifiers: ClinVar variation 1309118 (VCV001309118.6), dbSNP rs144150548, ClinGen allele CA6856512.
Genomic context (GRCh38, chr12:123,253,745, plus strand): 5'-TGGGTTTATTTCATTTTCCTACACCACTGACCCGAATATGCCCGGCGCCATGGGGACTCC[G>T]GCTTTGGGAGAAGCTGACGTTGTTATCCCCAGGAATAGCTGTCACTCCGGTCCAGATGGC-3'
Protein context (NP_689482.1, residues 14-34): TRICPAPWGL[Arg24Leu]LWEKLTLLSP